The following is an entry in ClinVar:

ClinVar aggregate classification (germline): Pathogenic/Likely pathogenic. Review status: criteria provided, multiple submitters, no conflicts (2 of 4 stars). 7 submissions from 7 submitters: Pathogenic (4); Likely pathogenic (1). 2 of the submissions do not count toward it. Last evaluated 2024-06-12.
ClinVar aggregate classification (somatic clinical impact): Tier I - Strong. Review status: criteria provided, single submitter (1 of 4 stars). 2 submissions from 1 submitter. 1 of the submissions does not count toward it. Last evaluated 2024-05-23.
ClinVar aggregate classification (oncogenicity): Oncogenic (1 of 4 stars; one submission).

Conditions:
Colorectal cancer. Also called: Malignant Colorectal Neoplasm; Colorectal cancer, somatic. Identifiers: MedGen C0346629, MONDO:0005575, OMIM 114500.
RASopathy. Also called: Noonan spectrum disorder; rasopathies. Identifiers: Orphanet 536391, MedGen C5555857, MONDO:0021060.
Noonan syndrome (NS). Also called: Noonan's syndrome. Identifiers: Orphanet 648, MedGen C0028326, MeSH D009634, MONDO:0018997. Disease mechanism: gain of function.
Autoimmune lymphoproliferative syndrome type 4. Also called: AUTOIMMUNE LYMPHOPROLIFERATIVE SYNDROME, TYPE IV; RAS-associated autoimmune leukoproliferative disorder. Identifiers: Orphanet 268114, MedGen C2674723, MONDO:0013767, OMIM 614470.
Ovarian Sertoli-Leydig cell tumor. Also called: Sertoli-leydig cell tumors; Arrhenoblastoma; Androblastoma of ovary; Sertoli-leydig cell tumor of the ovary; Arrhenoblastoma of ovary. Identifiers: MedGen C0003810, MONDO:0036595.
Embryonal rhabdomyosarcoma (ERMS). Also called: Botryoid rhabdomyosarcoma (type of ERMS); Spindle cell rhabdomyosarcomas (type of ERMS). Identifiers: Orphanet 99757, MedGen C0206656, MONDO:0009993, HP:0006743.
Neoplasm. Also called: Neoplasms; Neoplasm (disease); tumor. Identifiers: MedGen C0027651, MeSH D009369, MONDO:0005070, HP:0002664.

gnomAD v4.1: 1 of 1,613,974 alleles (0.000062%); highest among the groups gnomAD compares: Non-Finnish European, 0.000085%; no homozygotes.

Submissions (10):

Institute for Genomic Medicine (IGM) Clinical Laboratory, Nationwide Children's Hospital
Classification: Tier II - Potential for Ovarian Sertoli-Leydig cell tumor. Assertion type: diagnostic. Clinical significance: supports diagnosis. Last evaluated: 2025-10-20. Review status: criteria provided, single submitter. Criteria: AMP/ASCO/CAP Guidelines, 2017. Collection method: clinical testing. Allele origin: somatic. Affected: yes. Not counted in ClinVar's aggregate classification.
Comment: Variant has Tier II (potential) clinical significance as a diagnostic inclusion criterion in ovarian Sertoli-Leydig cell tumor, based on the following evidence: 1) Documented in one or more cancer databases (e.g., St. Jude Pecan, COSMIC, CIViC, OncoKB). 2) Information in the literature supports potential biologic effect of variant (PMIDs: 3550423, 31681616, 21478863, 23487764, 25339142). 3) Assists in diagnosis alone or along with other biomarkers based on small studies or few case reports (Evidence Level D; PMIDs: 26619011, 21478863, 18952898).

Center for Genomic Medicine, Rigshospitalet, Copenhagen University Hospital
Classification: Oncogenic for Neoplasm. Last evaluated: 2025-03-04. Review status: criteria provided, single submitter. Criteria: ClinGen/CGC/VICC Guidelines for Oncogenicity, 2022. Collection method: clinical testing. Allele origin: somatic. Affected: yes.

3billion
Classification: Pathogenic for Autoimmune lymphoproliferative syndrome type 4. Last evaluated: 2024-06-12. Review status: criteria provided, single submitter. Criteria: ACMG Guidelines, 2015. Collection method: clinical testing. Allele origin: germline. Affected: yes.
Comment: The variant is observed at an extremely low frequency in the gnomAD v4.0.0 dataset (total allele frequency: <0.001%). Predicted Consequence/Location: Missense changes are a common disease-causing mechanism. Functional studies provide moderate evidence of the variant having a damaging effect on the gene or gene product (PMID: 28594414). In silico tool predictions suggest damaging effect of the variant on gene or gene product [REVEL: 0.79 (>=0.6, sensitivity 0.68 and specificity 0.92); 3Cnet: 0.96 (>=0.6, sensitivity 0.72 and precision 0.9)]. The same nucleotide change resulting in the same amino acid change has been previously reported as pathogenic/likely pathogenic with strong evidence (ClinVar ID: VCV000040470 /PMID: 28594414). Different missense changes at the same codon (p.Gly12Ala, p.Gly12Arg, p.Gly12Asp, p.Gly12Cys, p.Gly12Phe, p.Gly12Pro, p.Gly12Ser) have been reported as pathogenic/likely pathogenic with strong evidence (ClinVar ID: VCV000039648, VCV000040468, VCV000040469, VCV000177778, VCV000219097, VCV003029607 /PMID: 23334668, 28594414, 30417923, 32888943). Therefore, this variant is classified as Pathogenic according to the recommendation of ACMG/AMP guideline.

Institute for Genomic Medicine (IGM) Clinical Laboratory, Nationwide Children's Hospital
Classification: Tier I - Strong for Embryonal rhabdomyosarcoma. Assertion type: diagnostic. Clinical significance: supports diagnosis. Last evaluated: 2024-05-23. Review status: criteria provided, single submitter. Criteria: AMP/ASCO/CAP Guidelines, 2017. Collection method: clinical testing. Allele origin: somatic. Affected: yes.
Comment: Variant has Tier I (strong) clinical significance as a diagnostic inclusion criterion in embryonal rhabdomyosarcoma, based on the following evidence: 1) Documented in one or more cancer databases (e.g., St. Jude Pecan, COSMIC, CIViC, OncoKB). 2) Appears in one or more well-established professional guidelines (e.g., World Health Organization [WHO]; National Comprehensive Cancer Network [NCCN]) as providing diagnostic, prognostic, or therapeutic information. 3) Information in the literature supports potential biologic effect of variant (PMIDs: 3550423, 31681616). 4) Diagnostic for a specific tumor type/classification based on well-powered studies with expert-level consensus (Evidence Level B; PMIDs: 24436047, 34166060, 2680062, 19681119, 24332040, 25768946).

GeneDx
Classification: Pathogenic. Last evaluated: 2023-11-22. Review status: criteria provided, single submitter. Criteria: GeneDx Variant Classification Process June 2021. Collection method: clinical testing. Allele origin: germline. Affected: yes.
Comment: Published functional studies demonstrate a damaging gain-of-function effect due to promotion of a shift towards the constitutively activated GTP-bound conformation of the protein, and enhanced ERK and AKT activation basally (PMID: 28594414); Not observed at significant frequency in large population cohorts (gnomAD); Missense variants in this gene are a common cause of disease and they are underrepresented in the general population; In silico analysis supports that this missense variant has a deleterious effect on protein structure/function; This variant is associated with the following publications: (PMID: 20736745, 25691160, 15831708, 20619739, 17699718, 18952898, 15046639, 14982869, 26619011, 21829508, 21729679, 21305640, 16273091, 28594414, 22589270)

Clinical Laboratory Sciences Program (CLSP), King Saud bin Abdulaziz University for Health Sciences (KSAU-HS)
Classification: Pathogenic for Colorectal cancer. Last evaluated: 2023-01-01. Review status: criteria provided, single submitter. Criteria: ACMG Guidelines, 2015. Collection method: clinical testing. Allele origin: germline. Affected: yes.
Comment: PM1, PM5, PP3, PM2, PP5

Labcorp Genetics (formerly Invitae), Labcorp
Classification: Likely pathogenic for RASopathy. Last evaluated: 2020-08-06. Review status: criteria provided, single submitter. Criteria: Invitae Variant Classification Sherloc (09022015). Collection method: clinical testing. Allele origin: germline.
Comment: This variant disrupts the p.Gly12 amino acid residue in NRAS. Other variant(s) that disrupt this residue have been determined to be pathogenic (PMID: 28098151, 28594414). This suggests that this residue is clinically significant, and that variants that disrupt this residue are likely to be disease-causing. Advanced modeling of protein sequence and biophysical properties (such as structural, functional, and spatial information, amino acid conservation, physicochemical variation, residue mobility, and thermodynamic stability) performed at Invitae indicates that this missense variant is expected to disrupt NRAS protein function. This variant has been observed in individual(s) with clinical features of a RASopathy condition (PMID: 28594414). ClinVar contains an entry for this variant (Variation ID: 40470). This variant is not present in population databases (ExAC no frequency). This sequence change replaces glycine with valine at codon 12 of the NRAS protein (p.Gly12Val). The glycine residue is highly conserved and there is a moderate physicochemical difference between glycine and valine. In summary, the currently available evidence indicates that the variant is pathogenic, but additional data are needed to prove that conclusively. Therefore, this variant has been classified as Likely Pathogenic. Experimental studies have shown that this variant affects NRAS protein function (PMID: 21263000).

Laboratory for Molecular Medicine, Mass General Brigham Personalized Medicine
Classification: Pathogenic for Noonan syndrome. Last evaluated: 2010-08-06. Review status: criteria provided, single submitter. Criteria: LMM Criteria. Collection method: clinical testing. Allele origin: germline. Observed: 1 variant allele.
Comment: The Gly12Val variant has not been reported in the literature as a germline varia nt and has not been identified in our laboratory. However, it has been reported as a somatic mutation in several types of cancer, including leukemia and melanom a (COSMIC, Houben 2004, Tartaglia, 2004).

Joint Genome Diagnostic Labs from Nijmegen and Maastricht, Radboudumc and MUMC+
Classification: Pathogenic. Review status: no assertion criteria provided. Collection method: clinical testing. Allele origin: germline. Affected: yes. Study: VKGL Data-share Consensus. Not counted in ClinVar's aggregate classification.

Laboratory of Diagnostic Genome Analysis, Leiden University Medical Center (LUMC)
Classification: Pathogenic. Review status: no assertion criteria provided. Collection method: clinical testing. Allele origin: germline. Affected: yes. Study: VKGL Data-share Consensus. Not counted in ClinVar's aggregate classification.

Literature cited by the submitters: PubMed 3550423 (cited by Institute for Genomic Medicine (IGM) Clinical Laboratory, Nationwide Children's Hospital); PubMed 31681616 (cited by Institute for Genomic Medicine (IGM) Clinical Laboratory, Nationwide Children's Hospital); PubMed 21478863 (cited by Institute for Genomic Medicine (IGM) Clinical Laboratory, Nationwide Children's Hospital); PubMed 23487764 (cited by Institute for Genomic Medicine (IGM) Clinical Laboratory, Nationwide Children's Hospital); PubMed 25339142 (cited by Institute for Genomic Medicine (IGM) Clinical Laboratory, Nationwide Children's Hospital); PubMed 26619011 (cited by Institute for Genomic Medicine (IGM) Clinical Laboratory, Nationwide Children's Hospital); PubMed 18952898 (cited by Institute for Genomic Medicine (IGM) Clinical Laboratory, Nationwide Children's Hospital and Laboratory for Molecular Medicine, Mass General Brigham Personalized Medicine); PubMed 19966803 (cited by Center for Genomic Medicine, Rigshospitalet, Copenhagen University Hospital); PubMed 28594414 (cited by 3billion and Labcorp Genetics (formerly Invitae), Labcorp); PubMed 23334668 (cited by 3billion); PubMed 24436047 (cited by Institute for Genomic Medicine (IGM) Clinical Laboratory, Nationwide Children's Hospital); PubMed 34166060 (cited by Institute for Genomic Medicine (IGM) Clinical Laboratory, Nationwide Children's Hospital); PubMed 2680062 (cited by Institute for Genomic Medicine (IGM) Clinical Laboratory, Nationwide Children's Hospital); PubMed 19681119 (cited by Institute for Genomic Medicine (IGM) Clinical Laboratory, Nationwide Children's Hospital); PubMed 24332040 (cited by Institute for Genomic Medicine (IGM) Clinical Laboratory, Nationwide Children's Hospital); PubMed 25768946 (cited by Institute for Genomic Medicine (IGM) Clinical Laboratory, Nationwide Children's Hospital); PubMed 28098151 (cited by Labcorp Genetics (formerly Invitae), Labcorp); PubMed 21263000 (cited by Labcorp Genetics (formerly Invitae), Labcorp); PubMed 15831708 (cited by Laboratory for Molecular Medicine, Mass General Brigham Personalized Medicine); PubMed 15046639 (cited by Laboratory for Molecular Medicine, Mass General Brigham Personalized Medicine); PubMed 14982869 (cited by Laboratory for Molecular Medicine, Mass General Brigham Personalized Medicine).

NM_002524.5(NRAS):c.35G>T (p.Gly12Val)

Gene: NRAS (NRAS proto-oncogene, GTPase; minus strand). Cytogenetic location: 1p13.2.
Variant type: single nucleotide variant.
Coding change: c.35G>T on transcript NM_002524.5 (MANE Select); coding-DNA position 35, G replaced by T.
Protein change: p.Gly12Val; replaces glycine 12 with valine.
Molecular consequence: missense variant.
Genome position (GRCh38, 1-based): chr1:114,716,126, C>A on the plus strand (G>T on the coding strand, the complement: NRAS is on the minus strand). VCF-style: chr1-114716126-C-A. GRCh37 (hg19) VCF-style: chr1-115258747-C-A.
Other names: p.G12V:GGT>GTT; short protein forms G12V.
Identifiers: ClinVar variation 40470 (VCV000040470.27), dbSNP rs121913237, ClinGen allele CA261525.